The following is an entry in ClinVar:

NM_001377.3(DYNC2H1):c.10586G>A (p.Arg3529Gln)

Gene: DYNC2H1 (dynein cytoplasmic 2 heavy chain 1; plus strand). Cytogenetic location: 11q22.3.
Variant type: single nucleotide variant.
Coding change: c.10586G>A on transcript NM_001377.3 (MANE Select); coding-DNA position 10586, G replaced by A.
Protein change: p.Arg3529Gln; replaces arginine 3529 with glutamine.
Molecular consequence: missense variant.
Genome position (GRCh38, 1-based): chr11:103,257,732, G>A. VCF-style: chr11-103257732-G-A. GRCh37 (hg19) VCF-style: chr11-103128461-G-A.
Other names: c.10607G>A, p.Arg3536Gln (NM_001080463.2); short protein forms R3529Q, R3536Q.
Identifiers: ClinVar variation 1440217 (VCV001440217.7), dbSNP rs753895545, ClinGen allele CA6255011.

ClinVar aggregate classification (germline): Uncertain significance (1 of 4 stars; one submission).

Conditions:
Jeune thoracic dystrophy. Also called: Short-rib thoracic dysplasia; Jeune syndrome; Infantile thoracic dystrophy; Thoracic pelvic phalangeal dystrophy; Jeune's syndrome; Chondroectodermal dysplasia-like syndrome. Identifiers: Orphanet 474, MedGen C0265275, MONDO:0018770.

Allele frequency attached by ClinVar (database versions not stated): gnomAD exomes below 0.00001 and 0.00001; gnomAD 0.00001; TOPMed 0.00001.
gnomAD v4.1: 8 of 1,597,792 alleles (0.0005%); highest among the groups gnomAD compares: African/African-American, 0.0027%; no homozygotes.

Submission:

Labcorp Genetics (formerly Invitae), Labcorp
Classification: Uncertain significance for Jeune thoracic dystrophy. Last evaluated: 2025-12-30. Review status: criteria provided, single submitter. Criteria: Invitae Variant Classification Sherloc (09022015). Collection method: clinical testing. Allele origin: germline.
Comment: This sequence change replaces arginine, which is basic and polar, with glutamine, which is neutral and polar, at codon 3536 of the DYNC2H1 protein (p.Arg3536Gln). This variant is present in population databases (rs753895545, gnomAD 0.007%). This variant has not been reported in the literature in individuals affected with DYNC2H1-related conditions. ClinVar contains an entry for this variant (Variation ID: 1440217). Invitae Evidence Modeling of protein sequence and biophysical properties (such as structural, functional, and spatial information, amino acid conservation, physicochemical variation, residue mobility, and thermodynamic stability) has been performed for this missense variant. However, the output from this modeling did not meet the statistical confidence thresholds required to predict the impact of this variant on DYNC2H1 protein function. In summary, the available evidence is currently insufficient to determine the role of this variant in disease. Therefore, it has been classified as a Variant of Uncertain Significance.